The following is an entry in ClinVar:

ClinVar aggregate classification (germline): Conflicting classifications of pathogenicity. Review status: criteria provided, conflicting classifications (1 of 4 stars). 5 submissions from 5 submitters: Pathogenic (3); Uncertain significance (1). 1 of the submissions does not count toward it. Last evaluated 2022-04-06.

Conditions:
Hereditary spastic paraplegia 4. Also called: Spastic paraplegia 4, autosomal dominant; Spastic Paraplegia 4; Familial spastic paraplegia autosomal dominant 2. Identifiers: Orphanet 100985, MedGen C1866855, MONDO:0008438, OMIM 182601.

Submissions (5):

Labcorp Genetics (formerly Invitae), Labcorp
Classification: Pathogenic for Hereditary spastic paraplegia 4. Last evaluated: 2022-04-06. Review status: criteria provided, single submitter. Criteria: Invitae Variant Classification Sherloc (09022015). Collection method: clinical testing. Allele origin: germline.
Comment: This variant has been observed in individuals with clinical features of hereditary spastic paraplegia (PMID: 22552817, 30476002, 33638609, 34008892; Invitae). It has also been observed to segregate with disease in related individuals. For these reasons, this variant has been classified as Pathogenic. Variants that disrupt the consensus splice site are a relatively common cause of aberrant splicing (PMID: 17576681, 9536098). Studies have shown that this variant results in skipping of exon 9, but is expected to preserve the integrity of the reading-frame (PMID: 33638609). ClinVar contains an entry for this variant (Variation ID: 546862). This variant is not present in population databases (gnomAD no frequency). This sequence change falls in intron 9 of the SPAST gene. It does not directly change the encoded amino acid sequence of the SPAST protein. RNA analysis indicates that this variant induces altered splicing and likely results in a shortened protein product.

Laboratory of Medical Genetics, National & Kapodistrian University of Athens
Classification: Pathogenic for Hereditary spastic paraplegia 4. Last evaluated: 2021-10-01. Review status: criteria provided, single submitter. Criteria: ACMG Guidelines, 2015. Collection method: clinical testing. Allele origin: unknown. Affected: yes.
Comment: PM1, PM2, PP3, PP4, PP5

Victorian Clinical Genetics Services, Murdoch Childrens Research Institute
Classification: Pathogenic for Hereditary spastic paraplegia 4. Last evaluated: 2020-05-25. Review status: criteria provided, single submitter. Criteria: ACMG Guidelines, 2015. Collection method: clinical testing. Allele origin: germline. Inheritance: Autosomal dominant inheritance. Affected: yes.
Comment: Based on the classification scheme VCGS_Germline_v1.1.1, this variant is classified as Pathogenic. Following criteria are met: 0103 - Both loss- and gain-of-function are known mechanisms of disease for this gene. Multiple premature termination codon variants resulting in loss of function have been reported whilst a missense variant has been shown to have gain of function effects (ClinVar; PMID 24478365; PMID 30520996). (N) 0104 - Dominant Negative is a mechanism of disease for this gene for other missense variants (PMID 30006150). (N) 0107 - This gene is known to be associated with autosomal dominant disease. (N) 0112 - Variants in this gene are known to have reduced penetrance (PMID 30476002). (N) 0212 - Non-canonical splice variant without proven consequence on splicing (no functional evidence available) (intron 9 of 16). (P) 0251 - Variant is heterozygous. (N) 0301 - Variant is absent from gnomAD. (P) 0505 - Abnormal splicing is predicted by in silico tools and affected nucleotide is highly conserved. (P) 0702 - Comparable variants have strong previous evidence for pathogenicity. Multiple non-canonical splice variants within the same donor region have previously been reported in clinical cases (ClinVar; PMID 22552817; PMID 24648003; PMID 11309678). (P) 0802 - Moderate previous evidence of pathogenicity in unrelated individuals. This variant has been reported multiple times in association with hereditary spastic paraplegia (ClinVar; PMID 27260292; PMID 22552817; PMID 28572275). (P) 0905 - No segregation evidence has been identified for this variant. (N) 1007 - No published functional evidence has been identified for this variant. (N) 1208 - Inheritance information for this variant is not currently available. (N) Legend: (P) - Pathogenic, (N) - Neutral, (B) - Benign

CeGaT Center for Human Genetics Tuebingen
Classification: Uncertain significance. Last evaluated: 2018-02-01. Review status: criteria provided, single submitter. Criteria: CeGaT Center For Human Genetics Tuebingen Variant Classification Criteria Version 2. Collection method: clinical testing. Allele origin: germline. Affected: yes. Observed: 1 variant allele.

Solve-RD Consortium
Classification: Likely pathogenic for Hereditary spastic paraplegia 4. Last evaluated: 2022-06-01. Review status: no assertion criteria provided. Collection method: provider interpretation. Allele origin: inherited. Affected: yes. Not counted in ClinVar's aggregate classification.
Comment: Variant confirmed as disease-causing by referring clinical team

Variant identified during reanalysis of unsolved cases by the Solve-RD project. The Solve-RD project has received funding from the European Union’s Horizon 2020 research and innovation programme under grant agreement No 779257.

Literature cited by the submitters: PubMed 22552817 (cited by Labcorp Genetics (formerly Invitae), Labcorp and Victorian Clinical Genetics Services, Murdoch Childrens Research Institute); PubMed 30476002 (cited by Labcorp Genetics (formerly Invitae), Labcorp and Victorian Clinical Genetics Services, Murdoch Childrens Research Institute); PubMed 33638609 (cited by Labcorp Genetics (formerly Invitae), Labcorp); PubMed 34008892 (cited by Labcorp Genetics (formerly Invitae), Labcorp and Laboratory of Medical Genetics, National & Kapodistrian University of Athens); PubMed 17576681 (cited by Labcorp Genetics (formerly Invitae), Labcorp); PubMed 9536098 (cited by Labcorp Genetics (formerly Invitae), Labcorp); PubMed 11309678 (cited by Victorian Clinical Genetics Services, Murdoch Childrens Research Institute); PubMed 24478365 (cited by Victorian Clinical Genetics Services, Murdoch Childrens Research Institute); PubMed 24648003 (cited by Victorian Clinical Genetics Services, Murdoch Childrens Research Institute); PubMed 27260292 (cited by Victorian Clinical Genetics Services, Murdoch Childrens Research Institute); PubMed 28572275 (cited by Victorian Clinical Genetics Services, Murdoch Childrens Research Institute); PubMed 30006150 (cited by Victorian Clinical Genetics Services, Murdoch Childrens Research Institute); PubMed 30520996 (cited by Victorian Clinical Genetics Services, Murdoch Childrens Research Institute); PubMed 39825153 (cited by Solve-RD Consortium).

NM_014946.4(SPAST):c.1245+5G>A

Gene: SPAST (spastin; plus strand). Cytogenetic location: 2p22.3.
Variant type: single nucleotide variant.
Coding change: c.1245+5G>A on transcript NM_014946.4 (MANE Select); 5 bases into the intron after coding-DNA position 1245, G replaced by A.
Molecular consequence: intron variant.
Genome position (GRCh38, 1-based): chr2:32,128,484, G>A. VCF-style: chr2-32128484-G-A. GRCh37 (hg19) VCF-style: chr2-32353553-G-A.
Other names: c.1149+5G>A (NM_199436.2, NM_001377959.1); c.1242+5G>A (NM_001363823.2); c.1146+5G>A (NM_001363875.2).
Identifiers: ClinVar variation 546862 (VCV000546862.53), dbSNP rs1553317049, ClinGen allele CA658821156.